The following is an entry in ClinVar:

NM_002968.3(SALL1):c.983A>G (p.Asn328Ser)

Gene: SALL1 (spalt like transcription factor 1; minus strand). Cytogenetic location: 16q12.1.
Variant type: single nucleotide variant.
Coding change: c.983A>G on transcript NM_002968.3 (MANE Select); coding-DNA position 983, A replaced by G.
Protein change: p.Asn328Ser; replaces asparagine 328 with serine.
Molecular consequence: missense variant.
Genome position (GRCh38, 1-based): chr16:51,141,239, T>C on the plus strand (A>G on the coding strand, the complement: SALL1 is on the minus strand). VCF-style: chr16-51141239-T-C. GRCh37 (hg19) VCF-style: chr16-51175150-T-C.
Other names: c.692A>G, p.Asn231Ser (NM_001127892.2); short protein forms N231S, N328S.
Identifiers: ClinVar variation 1940302 (VCV001940302.5), dbSNP rs2506494300, ClinGen allele CA395890159.

ClinVar aggregate classification (germline): Uncertain significance (1 of 4 stars; one submission).

Conditions:
Townes syndrome (TBS). Also called: Townes-Brocks syndrome. Identifiers: Orphanet 857, MedGen C0265246, MeSH C536974, MONDO:0007142.

Submission:

Labcorp Genetics (formerly Invitae), Labcorp
Classification: Uncertain significance for Townes syndrome. Last evaluated: 2025-01-06. Review status: criteria provided, single submitter. Criteria: Invitae Variant Classification Sherloc (09022015). Collection method: clinical testing. Allele origin: germline.
Comment: This sequence change replaces asparagine, which is neutral and polar, with serine, which is neutral and polar, at codon 328 of the SALL1 protein (p.Asn328Ser). This variant is not present in population databases (gnomAD no frequency). This variant has not been reported in the literature in individuals affected with SALL1-related conditions. ClinVar contains an entry for this variant (Variation ID: 1940302). Invitae Evidence Modeling of protein sequence and biophysical properties (such as structural, functional, and spatial information, amino acid conservation, physicochemical variation, residue mobility, and thermodynamic stability) indicates that this missense variant is not expected to disrupt SALL1 protein function with a negative predictive value of 80%. In summary, the available evidence is currently insufficient to determine the role of this variant in disease. Therefore, it has been classified as a Variant of Uncertain Significance.